The following is an entry in ClinVar:

NM_000048.4(ASL):c.649C>T (p.Arg217Ter)

Gene: ASL (argininosuccinate lyase; plus strand). Cytogenetic location: 7q11.21.
Variant type: single nucleotide variant.
Coding change: c.649C>T on transcript NM_000048.4 (MANE Select); coding-DNA position 649, C replaced by T.
Protein change: p.Arg217Ter; replaces arginine 217 with a stop codon.
Molecular consequence: nonsense.
Genome position (GRCh38, 1-based): chr7:66,087,380, C>T. VCF-style: chr7-66087380-C-T. GRCh37 (hg19) VCF-style: chr7-65552367-C-T.
Other names: p.R217*:CGA>TGA; c.649C>T, p.Arg217Ter (NM_001024943.2, NM_001024944.2); c.571C>T, p.Arg191Ter (NM_001024946.2); short protein forms R217*, R191*.
Identifiers: ClinVar variation 203615 (VCV000203615.29), dbSNP rs369879957, ClinGen allele CA312325.

ClinVar aggregate classification (germline): Pathogenic. Review status: criteria provided, multiple submitters, no conflicts (2 of 4 stars). 8 submissions from 8 submitters: Pathogenic (7). 1 of the submissions does not count toward it. Last evaluated 2026-01-12.

Conditions:
ASL-related disorder. Also called: ASL-related condition.
Argininosuccinate lyase deficiency. Also called: ARGININOSUCCINIC ACID LYASE DEFICIENCY; ASL DEFICIENCY; Argininosuccinic aciduria. Identifiers: Orphanet 23, MedGen C0268547, MONDO:0008815, OMIM 207900, HP:0025630.

Allele frequency attached by ClinVar (database versions not stated): ExAC 0.00001; gnomAD exomes 0.00001; TOPMed 0.00003; gnomAD 0.00004; ESP Exome Variant Server 0.00008.

Submissions (8):

Labcorp Genetics (formerly Invitae), Labcorp
Classification: Pathogenic for Argininosuccinate lyase deficiency. Last evaluated: 2026-01-12. Review status: criteria provided, single submitter. Criteria: Invitae Variant Classification Sherloc (09022015). Collection method: clinical testing. Allele origin: germline.
Comment: This sequence change creates a premature translational stop signal (p.Arg217*) in the ASL gene. It is expected to result in an absent or disrupted protein product. Loss-of-function variants in ASL are known to be pathogenic (PMID: 2263616, 24166829). The frequency data for this variant in the population databases is considered unreliable, as metrics indicate poor data quality at this position in the gnomAD database. This premature translational stop signal has been observed in individual(s) with clinical features of a urea cycle disorder (PMID: 30285816). ClinVar contains an entry for this variant (Variation ID: 203615). Algorithms developed to predict the effect of sequence changes on RNA splicing suggest that this variant may disrupt the consensus splice site. For these reasons, this variant has been classified as Pathogenic.

GeneDx
Classification: Pathogenic. Last evaluated: 2025-12-27. Review status: criteria provided, single submitter. Criteria: GeneDx Variant Classification Process June 2021. Collection method: clinical testing. Allele origin: germline. Affected: yes.
Comment: Identified in a patient with clinical features consistent with a ASL-related disorder with a second variant in the ASL gene (PMID: 31990680); Nonsense variant predicted to result in protein truncation or nonsense mediated decay in a gene for which loss of function is a known mechanism of disease; Not observed at significant frequency in large population cohorts (gnomAD); This variant is associated with the following publications: (PMID: 31943503, 30285816, 24166829, 25087612, 31990680)

Natera, Inc.
Classification: Pathogenic for Argininosuccinate lyase deficiency. Last evaluated: 2024-11-01. Review status: criteria provided, single submitter. Criteria: Natera Variant Classification Schema (03/2026). Collection method: clinical testing. Allele origin: germline.
Comment: The c.649C>T variant in ASL is a nonsense variant predicted to introduce a stop codon at amino acid 217. This variant is expected to result in nonsense mediated decay, truncation, or a dysfunctional protein product. This variant is rare in the general population with a frequency below the threshold expected for the associated phenotype(s). This variant has been observed in one or more individuals affected with the associated recessive disease, as either homozygous or compound heterozygous with a second variant (PMID: 24166829). Given the available evidence, this variant is classified as Pathogenic.

Blueprint Genetics
Classification: Pathogenic for ASL-related disorders. Last evaluated: 2024-09-12. Review status: criteria provided, single submitter. Criteria: ACMG Guidelines, 2015. Collection method: clinical testing. Allele origin: germline. Affected: yes. Observed: 5 variant alleles.

Fulgent Genetics
Classification: Pathogenic for Argininosuccinate lyase deficiency. Last evaluated: 2024-01-23. Review status: criteria provided, single submitter. Criteria: ACMG Guidelines, 2015. Collection method: clinical testing. Allele origin: germline.

Clinical Genetics Laboratory, Skane University Hospital Lund
Classification: Pathogenic. Last evaluated: 2022-07-13. Review status: criteria provided, single submitter. Criteria: ACMG Guidelines, 2015. Collection method: clinical testing. Allele origin: germline. Affected: yes.

Women's Health and Genetics/Laboratory Corporation of America, LabCorp
Classification: Pathogenic for Argininosuccinate lyase deficiency. Last evaluated: 2021-10-18. Review status: criteria provided, single submitter. Criteria: LabCorp Variant Classification Summary - May 2015. Collection method: clinical testing. Allele origin: germline.
Comment: Variant summary: ASL c.649C>T (p.Arg217X) results in a premature termination codon, predicted to cause a truncation of the encoded protein or absence of the protein due to nonsense mediated decay, which are commonly known mechanisms for disease. Truncations downstream of this position have been classified as pathogenic by our laboratory. The variant allele was found at a frequency of 1.2e-05 in 245080 control chromosomes. c.649C>T has been reported in the literature in multiple individuals affected with Argininosuccinic Aciduria (in compound heterozygous or homozygous state (Balmer_2014, Bijarnia-Mahay_2018, Burrage_2020). These data indicate that the variant is very likely to be associated with disease. Four clinical diagnostic laboratories have submitted clinical-significance assessments for this variant to ClinVar after 2014 without evidence for independent evaluation. All laboratories classified the variant as pathogenic. Based on the evidence outlined above, the variant was classified as pathogenic.

Counsyl
Classification: Pathogenic for Argininosuccinate lyase deficiency. Last evaluated: 2017-08-07. Review status: no assertion criteria provided. Collection method: clinical testing. Allele origin: unknown. Not counted in ClinVar's aggregate classification.

Literature cited by the submitters: PubMed 2263616 (cited by Labcorp Genetics (formerly Invitae), Labcorp); PubMed 24166829 (cited by 4 submitters); PubMed 30285816 (cited by Labcorp Genetics (formerly Invitae), Labcorp and Women's Health and Genetics/Laboratory Corporation of America, LabCorp); PubMed 31990680 (cited by Women's Health and Genetics/Laboratory Corporation of America, LabCorp).